The following is an entry in ClinVar:

ClinVar aggregate classification (germline): Uncertain significance (1 of 4 stars; one submission).

Conditions:
Cardiovascular phenotype. Identifiers: MedGen CN230736.

Submission:

Ambry Genetics
Classification: Uncertain significance for Cardiovascular phenotype. Last evaluated: 2020-10-07. Review status: criteria provided, single submitter. Criteria: Ambry Variant Classification Scheme 2023. Collection method: clinical testing. Allele origin: germline.
Comment: The p.E6D variant (also known as c.18G>T), located in coding exon 1 of the ACTC1 gene, results from a G to T substitution at nucleotide position 18. The glutamic acid at codon 6 is replaced by aspartic acid, an amino acid with highly similar properties. This missense alteration is located in a region that has a low rate of benign missense variation (Lek M et al. Nature. 2016 Aug 18;536(7616):285-91; DECIPHER: Database of Chromosomal Imbalance and Phenotype in Humans using Ensembl Resources. Firth H.V. et al. 2009. Am.J.Hum.Genet. 84, 524-533 (DOI)). This amino acid position is highly conserved in available vertebrate species. In addition, the in silico prediction for this alteration is inconclusive. Since supporting evidence is limited at this time, the clinical significance of this alteration remains unclear.

NM_005159.5(ACTC1):c.18G>T (p.Glu6Asp)

Genes: ACTC1 (actin alpha cardiac muscle 1; minus strand), GJD2-DT (GJD2 divergent transcript; plus strand). Cytogenetic location: 15q14.
Variant type: single nucleotide variant.
Coding change: c.18G>T on transcript NM_005159.5 (MANE Select); coding-DNA position 18, G replaced by T.
Protein change: p.Glu6Asp; replaces glutamic acid 6 with aspartic acid.
Molecular consequence: missense variant.
Genome position (GRCh38, 1-based): chr15:34,794,791, C>A on the plus strand (G>T on the coding strand, the complement: ACTC1 is on the minus strand). VCF-style: chr15-34794791-C-A. GRCh37 (hg19) VCF-style: chr15-35086992-C-A.
Other names: c.18G>T, p.Glu6Asp (NM_001406482.1, NM_001406483.1); short protein forms E6D.
Identifiers: ClinVar variation 1782285 (VCV001782285.2), dbSNP rs1891783715, ClinGen allele CA391633458.